The following is an entry in ClinVar:

NM_001267550.2(TTN):c.5047C>T (p.Arg1683Ter)

Gene: TTN (titin; minus strand). Cytogenetic location: 2q31.2.
Variant type: single nucleotide variant.
Coding change: c.5047C>T on transcript NM_001267550.2 (MANE Select); coding-DNA position 5047, C replaced by T.
Protein change: p.Arg1683Ter; replaces arginine 1683 with a stop codon.
Molecular consequence: nonsense.
Genome position (GRCh38, 1-based): chr2:178,776,817, G>A on the plus strand (C>T on the coding strand, the complement: TTN is on the minus strand). VCF-style: chr2-178776817-G-A. GRCh37 (hg19) VCF-style: chr2-179641544-G-A.
Other names: c.5047C>T (NM_001267550.1); c.5047C>T, p.Arg1683Ter (NM_001256850.1, NM_133379.5, NM_133378.4); c.4909C>T, p.Arg1637Ter (NM_003319.4, NM_133432.3, NM_133437.4); short protein forms R1683*, R1637*.
Identifiers: ClinVar variation 130673 (VCV000130673.22), dbSNP rs587780490, ClinGen allele CA269792.

ClinVar aggregate classification (germline): Conflicting classifications of pathogenicity. Review status: criteria provided, conflicting classifications (1 of 4 stars). 5 submissions from 5 submitters: Pathogenic (2); Likely pathogenic (2); Uncertain significance (1). Last evaluated 2025-12-01.

Conditions:
Cardiovascular phenotype. Identifiers: MedGen CN230736.
Dilated cardiomyopathy 1G (CMD1G). Identifiers: Orphanet 154, MedGen C1858763, MONDO:0011400, OMIM 604145.
Autosomal recessive limb-girdle muscular dystrophy type 2J (LGMDR10). Also called: Limb-girdle muscular dystrophy, type 2J; MUSCULAR DYSTROPHY, LIMB-GIRDLE, AUTOSOMAL RECESSIVE 10. Identifiers: Orphanet 140922, MedGen C1837342, MONDO:0012127, OMIM 608807.
Tibial muscular dystrophy (TMD). Also called: UDD MYOPATHY; Tibial muscular dystrophy, tardive; Udd Distal Myopathy – Tibial Muscular Dystrophy. Identifiers: Orphanet 609, MedGen C1838244, MONDO:0010870, OMIM 600334.
Primary dilated cardiomyopathy (DCM). Also called: Dilated Cardiomyopathy. Identifiers: Orphanet 217604, MedGen C0007193, MeSH D002311, MONDO:0005021, HP:0001644. Inheritance: Various modes of inheritance.

Allele frequency attached by ClinVar (database versions not stated): TOPMed 0.00001; gnomAD exomes below 0.00001.
gnomAD v4.1: 3 of 1,614,028 alleles (0.00019%); highest among the groups gnomAD compares: Non-Finnish European, 0.00017%; no homozygotes.

Submissions (5):

Labcorp Genetics (formerly Invitae), Labcorp
Classification: Likely pathogenic for Dilated cardiomyopathy 1G; Autosomal recessive limb-girdle muscular dystrophy type 2J. Last evaluated: 2025-12-01. Review status: criteria provided, single submitter. Criteria: Invitae Variant Classification Sherloc (09022015). Collection method: clinical testing. Allele origin: germline.
Comment: This sequence change creates a premature translational stop signal (p.Arg1683*) in the TTN gene. While this is not anticipated to result in nonsense mediated decay, it is expected to create a truncated TTN protein. This variant is not present in population databases (gnomAD no frequency). This variant has not been reported in the literature in individuals affected with TTN-related conditions. ClinVar contains an entry for this variant (Variation ID: 130673). This variant is located in the Z band of TTN (PMID: 25589632). Truncating variants in this region have been reported in individuals affected with autosomal recessive centronuclear myopathy (PMID: 33449170, internal data). Truncating variants in this region have also been identified in individuals affected with autosomal dominant dilated cardiomyopathy and/or cardio-related conditions (PMID: 27869827, 32964742, internal data). In summary, the currently available evidence indicates that the variant is pathogenic, but additional data are needed to prove that conclusively. Therefore, this variant has been classified as Likely Pathogenic.

Ambry Genetics
Classification: Pathogenic for Cardiovascular phenotype. Last evaluated: 2025-03-04. Review status: criteria provided, single submitter. Criteria: Ambry Variant Classification Scheme 2023. Collection method: clinical testing. Allele origin: germline.
Comment: The p.R1637* pathogenic mutation (also known as c.4909C>T), located in coding exon 26 of the TTN gene, results from a C to T substitution at nucleotide position 4909. This changes the amino acid from an arginine to a stop codon within coding exon 26. This exon is located in the near Z-disk/I-band region of the N2-B isoform of the titin protein and is constitutively expressed in TTN transcripts (percent spliced in or PSI 100%). This variant was reported in individual(s) with features consistent with dilated cardiomyopathy (DCM) (Ambry internal data). This variant is considered to be rare based on population cohorts in the Genome Aggregation Database (gnomAD). This variant is expected to result in loss of function by premature protein truncation or nonsense-mediated mRNA decay. While truncating variants in TTN are present in 1-3% of the general population, truncating variants in the A-band are the most common cause of dilated cardiomyopathy (Herman DS et al. N. Engl. J. Med., 2012 Feb;366:619-28; Roberts AM et al. Sci Transl Med, 2015 Jan;7:270ra6). TTN truncating variants encoded in constitutive exons (PSI >90%) have been found to be significantly associated with DCM regardless of their position in titin (Schafer S et al. Nat. Genet., 2017 01;49:46-53; Akhtar MM et al. Circ Heart Fail, 2020 Oct;13:e006832; Massier M et al. Clin Genet, 2025 Jan). Based on the supporting evidence, this variant is interpreted as a disease-causing mutation.

GeneDx
Classification: Uncertain significance. Last evaluated: 2022-11-22. Review status: criteria provided, single submitter. Criteria: GeneDx Variant Classification Process June 2021. Collection method: clinical testing. Allele origin: germline. Affected: yes.
Comment: Not observed at significant frequency in large population cohorts (gnomAD); Nonsense variant predicted to result in protein truncation or nonsense mediated decay in a gene or region of a gene for which loss of function is not a well-established mechanism of disease; Has not been previously published as pathogenic or benign to our knowledge

Laboratory for Molecular Medicine, Mass General Brigham Personalized Medicine
Classification: Likely pathogenic for Primary dilated cardiomyopathy. Last evaluated: 2019-01-25. Review status: criteria provided, single submitter. Criteria: ACMG Guidelines, 2015. Collection method: clinical testing. Allele origin: germline. Inheritance: Autosomal dominant inheritance.
Comment: The p.Arg1683X variant in TTN has not been previously reported in individuals with DCM and was absent from large population studies. This nonsense variant leads to a premature termination codon at position 1683, which is predicted to lead to a truncated or absent protein. Nonsense and other truncating variants in TTN are strongly associated with DCM if they impact the exons encoding for the A-band (Herman 2012, Pugh 2014) and/or are located in an exon that is highly expressed in the heart (Roberts 2015). The p.Arg1683X variant is located in a highly expressed exon near the Z-disk/I-band. In summary, although additional studies are required to fully establish its clinical significance, this variant meets criteria to be classified as likely pathogenic for autosomal dominant DCM. ACMG/AMP Criteria applied: PVS1, PM2.

Genetic Services Laboratory, University of Chicago
Classification: Pathogenic for Tibial muscular dystrophy, tardive. Last evaluated: 2013-12-23. Review status: criteria provided, single submitter. Criteria: ACMG Guidelines, 2007. Collection method: clinical testing. Allele origin: germline. Affected: yes.

Literature cited by the submitters: PubMed 25589632 (cited by Labcorp Genetics (formerly Invitae), Labcorp); PubMed 33449170 (cited by Labcorp Genetics (formerly Invitae), Labcorp); PubMed 27869827 (cited by Labcorp Genetics (formerly Invitae), Labcorp); PubMed 32964742 (cited by Labcorp Genetics (formerly Invitae), Labcorp).